The following is an entry in ClinVar:

NM_001194998.2(CEP152):c.419del (p.Gln140fs)

Gene: CEP152 (centrosomal protein 152; minus strand). Cytogenetic location: 15q21.1.
Variant type: Deletion.
Coding change: c.419del on transcript NM_001194998.2 (MANE Select); coding-DNA position 419, one base deleted (A; older notation c.419delA).
Protein change: p.Gln140fs; shifts the reading frame from glutamine 140.
Molecular consequence: frameshift variant.
Genome position (GRCh38, 1-based): chr15:48,797,422, T deleted on the plus strand (A on the coding strand, the reverse complement: CEP152 is on the minus strand). VCF-style (leftmost placement, unchanged base first): chr15-48797421-CT-C. GRCh37 (hg19) VCF-style: chr15-49089618-CT-C.
Other names: c.419del, p.Gln140fs (NM_014985.4); short protein forms Q140fs.
Identifiers: ClinVar variation 3027462 (VCV003027462.1), dbSNP rs1567028689, ClinGen allele CA919549116.

ClinVar aggregate classification (germline): Likely pathogenic (1 of 4 stars; one submission).

Conditions:
Microcephaly 9, primary, autosomal recessive. Identifiers: Orphanet 2512, MedGen C3553886, MONDO:0013923, OMIM 614852.

Submission:

Human Genetics Bochum, Ruhr University Bochum
Classification: Likely pathogenic for Microcephaly 9, primary, autosomal recessive. Last evaluated: 2024-01-10. Review status: criteria provided, single submitter. Criteria: ACMG Guidelines, 2015. Collection method: clinical testing. Allele origin: germline. Affected: yes.
Comment: ACMG criteria used to clasify this variant: PVS1, PM2_SUP